The following is an entry in ClinVar:

ClinVar aggregate classification (germline): Uncertain significance (1 of 4 stars; one submission).

Submission:

Labcorp Genetics (formerly Invitae), Labcorp
Classification: Uncertain significance. Last evaluated: 2024-02-24. Review status: criteria provided, single submitter. Criteria: Invitae Variant Classification Sherloc (09022015). Collection method: clinical testing. Allele origin: germline.
Comment: This sequence change replaces alanine, which is neutral and non-polar, with serine, which is neutral and polar, at codon 152 of the EMC1 protein (p.Ala152Ser). This variant is not present in population databases (gnomAD no frequency). This variant has not been reported in the literature in individuals affected with EMC1-related conditions. ClinVar contains an entry for this variant (Variation ID: 2105414). Advanced modeling of protein sequence and biophysical properties (such as structural, functional, and spatial information, amino acid conservation, physicochemical variation, residue mobility, and thermodynamic stability) performed at Invitae indicates that this missense variant is not expected to disrupt EMC1 protein function with a negative predictive value of 80%. In summary, the available evidence is currently insufficient to determine the role of this variant in disease. Therefore, it has been classified as a Variant of Uncertain Significance.

NM_015047.3(EMC1):c.454G>T (p.Ala152Ser)

Gene: EMC1 (ER membrane protein complex subunit 1; minus strand). Cytogenetic location: 1p36.13.
Variant type: single nucleotide variant.
Coding change: c.454G>T on transcript NM_015047.3 (MANE Select); coding-DNA position 454, G replaced by T.
Protein change: p.Ala152Ser; replaces alanine 152 with serine.
Molecular consequence: missense variant.
Genome position (GRCh38, 1-based): chr1:19,242,400, C>A on the plus strand (G>T on the coding strand, the complement: EMC1 is on the minus strand). VCF-style: chr1-19242400-C-A. GRCh37 (hg19) VCF-style: chr1-19568894-C-A.
Other names: c.454G>T, p.Ala152Ser (NM_001271427.2, NM_001271428.2, NM_001375820.1 and 1 more transcripts); c.388G>T, p.Ala130Ser (NM_001271429.2); short protein forms A152S, A130S.
Identifiers: ClinVar variation 2105414 (VCV002105414.4), dbSNP rs2536799099, ClinGen allele CA338770641.